The following is an entry in ClinVar:

NM_152263.4(TPM3):c.737C>T (p.Ser246Leu)

Gene: TPM3 (tropomyosin 3; minus strand). Cytogenetic location: 1q21.3.
Variant type: single nucleotide variant.
Coding change: c.737C>T on transcript NM_152263.4 (MANE Select); coding-DNA position 737, C replaced by T.
Protein change: p.Ser246Leu; replaces serine 246 with leucine.
Molecular consequence: missense variant. On other transcripts: non-coding transcript variant (1).
Genome position (GRCh38, 1-based): chr1:154,170,438, G>A on the plus strand (C>T on the coding strand, the complement: TPM3 is on the minus strand). VCF-style: chr1-154170438-G-A. GRCh37 (hg19) VCF-style: chr1-154142914-G-A.
Other names: c.626C>T, p.Ser209Leu (NM_001043351.2, NM_001043352.2, NM_001043353.2 and 4 more transcripts); c.428C>T, p.Ser143Leu (NM_001278188.2); c.563C>T, p.Ser188Leu (NM_001278190.2); c.356C>T, p.Ser119Leu (NM_001278191.2); c.737C>T, p.Ser246Leu (NM_001364679.2, NM_001364680.2, NM_001364681.2 and 1 more transcripts); short protein forms S246L, S209L, S188L, S119L, S143L.
Identifiers: ClinVar variation 531178 (VCV000531178.15), dbSNP rs1553248522, ClinGen allele CA342582897.

ClinVar aggregate classification (germline): Uncertain significance. Review status: criteria provided, multiple submitters, no conflicts (2 of 4 stars). 3 submissions from 3 submitters: Uncertain significance (3). Last evaluated 2025-12-03.

Conditions:
Inborn genetic diseases. Identifiers: MedGen C0950123, MeSH D030342.
Congenital myopathy 4B, autosomal recessive. Also called: Nemaline myopathy 1, autosomal dominant or recessive. Identifiers: Orphanet 171433, Orphanet 171439, Orphanet 171881, MedGen C5829889, MONDO:0012239, OMIM 609284.
Congenital myopathy with fiber type disproportion. Also called: Congenital fiber-type disproportion myopathy; Congenital fiber-type disproportion. Identifiers: Orphanet 2020, MedGen C0546264, MONDO:0009711. Inheritance: all.

Submissions (3):

Ambry Genetics
Classification: Uncertain significance for Inborn genetic diseases. Last evaluated: 2025-12-03. Review status: criteria provided, single submitter. Criteria: Ambry Variant Classification Scheme 2023. Collection method: clinical testing. Allele origin: germline.
Comment: The c.737C>T (p.S246L) alteration is located in exon 8 (coding exon 8) of the TPM3 gene. This alteration results from a C to T substitution at nucleotide position 737, causing the serine (S) at amino acid position 246 to be replaced by a leucine (L). This variant was not reported in population-based cohorts in the Genome Aggregation Database (gnomAD). This variant was reported in individual(s) with features consistent with TPM3-related myopathy (Chen, 2023). This amino acid position is well conserved in available vertebrate species. This alteration is predicted to be deleterious by in silico analysis. Based on insufficient or conflicting evidence, the clinical significance of this alteration remains unclear.

Labcorp Genetics (formerly Invitae), Labcorp
Classification: Uncertain significance for Congenital myopathy with fiber type disproportion; Congenital myopathy 4B, autosomal recessive. Last evaluated: 2025-06-23. Review status: criteria provided, single submitter. Criteria: Invitae Variant Classification Sherloc (09022015). Collection method: clinical testing. Allele origin: germline.
Comment: This sequence change replaces serine, which is neutral and polar, with leucine, which is neutral and non-polar, at codon 246 of the TPM3 protein (p.Ser246Leu). This variant is not present in population databases (gnomAD no frequency). This missense change has been observed in individual(s) with clinical features of TPM3-related conditions (PMID: 37147571; internal data). ClinVar contains an entry for this variant (Variation ID: 531178). Invitae Evidence Modeling of protein sequence and biophysical properties (such as structural, functional, and spatial information, amino acid conservation, physicochemical variation, residue mobility, and thermodynamic stability) indicates that this missense variant is not expected to disrupt TPM3 protein function with a negative predictive value of 80%. In summary, the available evidence is currently insufficient to determine the role of this variant in disease. Therefore, it has been classified as a Variant of Uncertain Significance.

GeneDx
Classification: Uncertain significance. Last evaluated: 2020-10-29. Review status: criteria provided, single submitter. Criteria: GeneDx Variant Classification Process June 2021. Collection method: clinical testing. Allele origin: germline. Affected: yes.
Comment: Not observed in large population cohorts (Lek et al., 2016); In silico analysis supports that this missense variant has a deleterious effect on protein structure/function; Has not been previously published as pathogenic or benign to our knowledge

Literature cited by the submitters: PubMed 37147571 (cited by Ambry Genetics and Labcorp Genetics (formerly Invitae), Labcorp).